The following is an entry in ClinVar:

ClinVar aggregate classification (germline): Conflicting classifications of pathogenicity. Review status: criteria provided, conflicting classifications (1 of 4 stars). 5 submissions from 5 submitters: Uncertain significance (3); Likely benign (1). 1 of the submissions does not count toward it. Last evaluated 2026-08-06.

Conditions:
Pneumothorax - familial.
Inborn genetic diseases. Identifiers: MedGen C0950123, MeSH D030342.
Alpha-1-antitrypsin deficiency (A1ATD). Also called: Alpha1-Antitrypsin Deficiency; AAT deficiency; A1AT deficiency. Identifiers: Orphanet 60, MedGen C0221757, MONDO:0013282, OMIM 613490.

Allele frequency attached by ClinVar (database versions not stated): TOPMed 0.00011; 1000 Genomes Project 30x 0.00016; 1000 Genomes Project 0.00020; gnomAD 0.00009 and 0.00010.

Submissions (5):

NHS Central & South Genomic Laboratory Hub
Classification: Uncertain significance for Pneumothorax - familial. Last evaluated: 2026-08-06. Review status: criteria provided, single submitter. Criteria: ACMG Guidelines, 2015. Collection method: clinical testing. Allele origin: germline. Affected: yes.

Labcorp Genetics (formerly Invitae), Labcorp
Classification: Likely benign for Alpha-1-antitrypsin deficiency. Last evaluated: 2026-01-20. Review status: criteria provided, single submitter. Criteria: Invitae Variant Classification Sherloc (09022015). Collection method: clinical testing. Allele origin: germline.

Eurofins Ntd Llc (ga)
Classification: Uncertain significance. Last evaluated: 2017-10-10. Review status: criteria provided, single submitter. Criteria: EGL Classification Definitions 2015. Collection method: clinical testing. Allele origin: germline. Observed: 1 variant allele, 1 heterozygote.

Ambry Genetics
Classification: Uncertain significance for Inborn genetic diseases. Last evaluated: 2015-06-22. Review status: criteria provided, single submitter. Criteria: Ambry Variant Classification Scheme 2023. Collection method: clinical testing. Allele origin: germline.
Comment: The p.L300R variant (also known as c.899T>G), located in coding exon 2 of the SERPINA1 gene, results from a T to G substitution at nucleotide position 899. The leucine at codon 300 is replaced by arginine, an amino acid with dissimilar properties. This variant was not reported in population based cohorts in the following databases: Database of Single Nucleotide Polymorphisms (dbSNP), NHLBI Exome Sequencing Project (ESP), and 1000 Genomes Project. In the ESP, this variant was not observed in 6503 samples (13006 alleles) with coverage at this position. This amino acid position is highly conserved in available vertebrate species on limited alignment. In addition, the in silico prediction for this alteration is inconclusive. Since supporting evidence is limited at this time, the clinical significance of this variant remains unclear.

Instituto Universitario de Enfermedades Tropicales y Salud Pública de Canarias, University of La Laguna
Classification: Pathogenic for Alpha-1-antitrypsin deficiency. Last evaluated: 2022-08-30. Review status: no assertion criteria provided. Collection method: clinical testing. Allele origin: inherited. Inheritance: Autosomal recessive inheritance. Affected: yes. Observed: 1 heterozygote. Not counted in ClinVar's aggregate classification.
Comment: Results allowed the identification of PI*S-hangzhou, a novel SERPINA1 defective allele, which has been characterized by a L276R substitution (in mature AAT) , found in a SERPINA1-M3 genetic background. The index case was admitted to the hospital due to severe jaundice, with elevated plasma levels of total bilirubin (20.4 mg/dl) and gamma-glutamyl transpeptidase (139 U/l). IEF analysis of AAT pointed out a PiMS phenotype, with AAT concentration (81.3 mg/dl) below the reference ranges described for PiMS phenotype. Potential effects of PI*Shangzhou mutation over the AAT structure were studied by 3D homology modelling. The presence of an arginine residue at position 276 could destabilize the tertiary structure of AAT, since it occurs at a highly conserved hydrophobic cavity in the protein surface, and very close to two positively-charged amino acids: K243 and K380. Therefore, the electrostatic repulsion between R276 and K243/K380 residues could destabilize the tertiary structure of mutant AAT. Attending to the frequency of R276 variant reported in databases for individuals of East Asian ancestry, the PI*Shangzhou allele may explain the global prevalence of the PiS phenotype observed in China.

Literature cited by the submitters: DOI 10.3389/fped.2022.985892 (cited by Instituto Universitario de Enfermedades Tropicales y Salud Pública de Canarias, University of La Laguna).

NM_000295.5(SERPINA1):c.899T>G (p.Leu300Arg)

Gene: SERPINA1 (serpin family A member 1; minus strand). Cytogenetic location: 14q32.13.
Variant type: single nucleotide variant.
Coding change: c.899T>G on transcript NM_000295.5 (MANE Select); coding-DNA position 899, T replaced by G.
Protein change: p.Leu300Arg; replaces leucine 300 with arginine.
Molecular consequence: missense variant.
Genome position (GRCh38, 1-based): chr14:94,380,889, A>C on the plus strand (T>G on the coding strand, the complement: SERPINA1 is on the minus strand). VCF-style: chr14-94380889-A-C. GRCh37 (hg19) VCF-style: chr14-94847226-A-C.
Other names: c.899T>G, p.Leu300Arg (NM_001002235.3, NM_001002236.3, NM_001127700.2 and 7 more transcripts); short protein forms L300R.
Identifiers: ClinVar variation 594462 (VCV000594462.20), dbSNP rs550592374, ClinGen allele CA7327381.